The following is an entry in ClinVar:

ClinVar aggregate classification (germline): Uncertain significance. Review status: criteria provided, multiple submitters, no conflicts (2 of 4 stars). 2 submissions from 2 submitters: Uncertain significance (2). Last evaluated 2025-08-08.

Conditions:
Inborn genetic diseases. Identifiers: MedGen C0950123, MeSH D030342.
Frontotemporal dementia and/or amyotrophic lateral sclerosis 4. Also called: FTDALS4. Identifiers: Orphanet 275872, MedGen C4225325, MONDO:0014641, OMIM 616439.

Allele frequency attached by ClinVar (database versions not stated): TOPMed 0.00001.

Submissions (2):

Ambry Genetics
Classification: Uncertain significance for Inborn genetic diseases. Last evaluated: 2025-08-08. Review status: criteria provided, single submitter. Criteria: Ambry Variant Classification Scheme 2023. Collection method: clinical testing. Allele origin: germline.

Labcorp Genetics (formerly Invitae), Labcorp
Classification: Uncertain significance for Frontotemporal dementia and/or amyotrophic lateral sclerosis 4. Last evaluated: 2018-04-27. Review status: criteria provided, single submitter. Criteria: Invitae Variant Classification Sherloc (09022015). Collection method: clinical testing. Allele origin: germline.
Comment: In summary, the available evidence is currently insufficient to determine the role of this variant in disease. Therefore, it has been classified as a Variant of Uncertain Significance. Algorithms developed to predict the effect of missense changes on protein structure and function (SIFT, PolyPhen-2, Align-GVGD) all suggest that this variant is likely to be tolerated, but these predictions have not been confirmed by published functional studies and their clinical significance is uncertain. This variant has not been reported in the literature in individuals with TBK1-related disease. This variant is not present in population databases (ExAC no frequency). This sequence change replaces aspartic acid with glutamic acid at codon 453 of the TBK1 protein (p.Asp453Glu). The aspartic acid residue is highly conserved and there is a small physicochemical difference between aspartic acid and glutamic acid.

NM_013254.4(TBK1):c.1359T>G (p.Asp453Glu)

Gene: TBK1 (TANK binding kinase 1; plus strand). Cytogenetic location: 12q14.2.
Variant type: single nucleotide variant.
Coding change: c.1359T>G on transcript NM_013254.4 (MANE Select); coding-DNA position 1359, T replaced by G.
Protein change: p.Asp453Glu; replaces aspartic acid 453 with glutamic acid.
Molecular consequence: missense variant.
Genome position (GRCh38, 1-based): chr12:64,488,505, T>G. VCF-style: chr12-64488505-T-G. GRCh37 (hg19) VCF-style: chr12-64882285-T-G.
Other names: c.1359T>G, p.Asp453Glu (LRG_1306t1); short protein forms D453E.
Identifiers: ClinVar variation 568127 (VCV000568127.9), dbSNP rs1565821771, ClinGen allele CA385601753.